The following is an entry in ClinVar:

ClinVar aggregate classification (germline): Likely benign (0 of 4 stars; one submission).

Conditions:
SETD1B-related disorder. Also called: SETD1B-related condition.

Allele frequency attached by ClinVar (database versions not stated): TOPMed 0.00001; gnomAD exomes 0.00002.
gnomAD v4.1: 26 of 1,551,432 alleles (0.0017%); highest among the groups gnomAD compares: Admixed American, 0.0039%; no homozygotes.

Submission:

PreventionGenetics, part of Exact Sciences
Classification: Likely benign for SETD1B-related condition. Last evaluated: 2024-02-09. Review status: no assertion criteria provided. Collection method: clinical testing. Allele origin: germline.
Comment: This variant is classified as likely benign based on ACMG/AMP sequence variant interpretation guidelines (Richards et al. 2015 PMID: 25741868, with internal and published modifications).

NM_001353345.2(SETD1B):c.4035C>T (p.Ala1345=)

Gene: SETD1B (SET domain containing 1B, histone lysine methyltransferase; plus strand). Cytogenetic location: 12q24.31.
Variant type: single nucleotide variant.
Coding change: c.4035C>T on transcript NM_001353345.2 (MANE Select); coding-DNA position 4035, C replaced by T.
Protein change: p.Ala1345=; no amino-acid change (alanine 1345 retained).
Molecular consequence: synonymous variant.
Genome position (GRCh38, 1-based): chr12:121,822,614, C>T. VCF-style: chr12-121822614-C-T. GRCh37 (hg19) VCF-style: chr12-122260520-C-T.
Other names: NM_015048.1:c.3906C>T.
Identifiers: ClinVar variation 3058479 (VCV003058479.2), dbSNP rs1331925095, ClinGen allele CA482434996.
Genomic context (GRCh38, chr12:121,822,614, plus strand): 5'-GCCGCCCCCACGACCACCCCGGCCACCCAGCCCACCGCCGGAGCCTGAGACCACAGATGC[C>T]TCACACCCATCTGTCCCTCCGGAGCCCCTTGCCGAGGACCACCCCCCGCATACTCCAGGC-3'
Protein context (NP_001340274.1, residues 1335-1355): SPPPEPETTD[Ala1345=]SHPSVPPEPL